The following is an entry in ClinVar:

ClinVar aggregate classification (germline): Uncertain significance (1 of 4 stars; one submission).

Conditions:
Spastic paraplegia. Identifiers: MedGen C0037772, HP:0001258.

gnomAD v4.1: 3 of 1,585,380 alleles (0.00019%); highest among the groups gnomAD compares: Admixed American, 0.0051%; no homozygotes.

Submission:

Labcorp Genetics (formerly Invitae), Labcorp
Classification: Uncertain significance for Spastic paraplegia. Last evaluated: 2022-07-19. Review status: criteria provided, single submitter. Criteria: Invitae Variant Classification Sherloc (09022015). Collection method: clinical testing. Allele origin: germline.
Comment: In summary, the available evidence is currently insufficient to determine the role of this variant in disease. Therefore, it has been classified as a Variant of Uncertain Significance. This sequence change replaces glutamine, which is neutral and polar, with histidine, which is basic and polar, at codon 269 of the B4GALNT1 protein (p.Gln269His). This variant is not present in population databases (gnomAD no frequency). This variant has not been reported in the literature in individuals affected with B4GALNT1-related conditions. ClinVar contains an entry for this variant (Variation ID: 1512728). Algorithms developed to predict the effect of missense changes on protein structure and function output the following: SIFT: "Tolerated"; PolyPhen-2: "Benign"; Align-GVGD: "Class C0". The histidine amino acid residue is found in multiple mammalian species, which suggests that this missense change does not adversely affect protein function.

NM_001478.5(B4GALNT1):c.807G>C (p.Gln269His)

Gene: B4GALNT1 (beta-1,4-N-acetyl-galactosaminyltransferase 1; minus strand). Cytogenetic location: 12q13.3.
Variant type: single nucleotide variant.
Coding change: c.807G>C on transcript NM_001478.5 (MANE Select); coding-DNA position 807, G replaced by C.
Protein change: p.Gln269His; replaces glutamine 269 with histidine.
Molecular consequence: missense variant.
Genome position (GRCh38, 1-based): chr12:57,629,052, C>G on the plus strand (G>C on the coding strand, the complement: B4GALNT1 is on the minus strand). VCF-style: chr12-57629052-C-G. GRCh37 (hg19) VCF-style: chr12-58022835-C-G.
Other names: c.642G>C, p.Gln214His (NM_001276468.2); short protein forms Q214H, Q269H.
Identifiers: ClinVar variation 1512728 (VCV001512728.6), dbSNP rs2140246556, ClinGen allele CA385498223.